The following is an entry in ClinVar:

ClinVar aggregate classification (germline): Uncertain significance. Review status: criteria provided, multiple submitters, no conflicts (2 of 4 stars). 2 submissions from 2 submitters: Uncertain significance (2). Last evaluated 2025-08-01.

Allele frequency attached by ClinVar (database versions not stated): gnomAD 0.00002; gnomAD exomes 0.00002 and 0.00003; TOPMed 0.00002.
gnomAD v4.1: 22 of 1,613,970 alleles (0.0014%); highest among the groups gnomAD compares: East Asian, 0.031%; no homozygotes.

Submissions (2):

Ambry Genetics
Classification: Uncertain significance. Last evaluated: 2025-08-01. Review status: criteria provided, single submitter. Criteria: Ambry Variant Classification Scheme 2023. Collection method: clinical testing. Allele origin: germline.

Labcorp Genetics (formerly Invitae), Labcorp
Classification: Uncertain significance. Last evaluated: 2025-08-01. Review status: criteria provided, single submitter. Criteria: Invitae Variant Classification Sherloc (09022015). Collection method: clinical testing. Allele origin: germline.
Comment: This sequence change replaces asparagine, which is neutral and polar, with aspartic acid, which is acidic and polar, at codon 903 of the RNF31 protein (p.Asn903Asp). This variant is present in population databases (no rsID available, gnomAD 0.02%). This variant has not been reported in the literature in individuals affected with RNF31-related conditions. ClinVar contains an entry for this variant (Variation ID: 1514981). An algorithm developed to predict the effect of missense changes on protein structure and function (PolyPhen-2) suggests that this variant is likely to be tolerated. In summary, the available evidence is currently insufficient to determine the role of this variant in disease. Therefore, it has been classified as a Variant of Uncertain Significance.

NM_017999.5(RNF31):c.2707A>G (p.Asn903Asp)

Gene: RNF31 (ring finger protein 31; plus strand). Cytogenetic location: 14q12.
Variant type: single nucleotide variant.
Coding change: c.2707A>G on transcript NM_017999.5 (MANE Select); coding-DNA position 2707, A replaced by G.
Protein change: p.Asn903Asp; replaces asparagine 903 with aspartic acid.
Molecular consequence: missense variant.
Genome position (GRCh38, 1-based): chr14:24,157,618, A>G. VCF-style: chr14-24157618-A-G. GRCh37 (hg19) VCF-style: chr14-24626827-A-G.
Other names: c.2254A>G, p.Asn752Asp (NM_001310332.2); c.2707A>G (NM_017999.4); short protein forms N752D, N903D.
Identifiers: ClinVar variation 1514981 (VCV001514981.8), dbSNP rs1370815285, ClinGen allele CA389306369.